The following is an entry in ClinVar:

ClinVar aggregate classification (germline): Likely benign. Review status: criteria provided, multiple submitters, no conflicts (2 of 4 stars). 4 submissions from 4 submitters: Likely benign (4). Last evaluated 2026-01-21.

Conditions:
ALPK3-related disorder. Also called: ALPK3-related condition.
Cardiovascular phenotype. Identifiers: MedGen CN230736.

Allele frequency attached by ClinVar (database versions not stated): gnomAD 0.00001; gnomAD exomes 0.00004 and 0.00019; TOPMed 0.00009; ExAC 0.00012.
gnomAD v4.1: 54 of 1,611,902 alleles (0.0034%); highest among the groups gnomAD compares: Admixed American, 0.087%; no homozygotes.

Submissions (4):

Labcorp Genetics (formerly Invitae), Labcorp
Classification: Likely benign. Last evaluated: 2026-01-21. Review status: criteria provided, single submitter. Criteria: Invitae Variant Classification Sherloc (09022015). Collection method: clinical testing. Allele origin: germline.

PreventionGenetics, part of Exact Sciences
Classification: Likely benign for ALPK3-related condition. Last evaluated: 2024-11-05. Review status: criteria provided, single submitter. Criteria: ACMG Guidelines, 2015. Collection method: clinical testing. Allele origin: germline.
Comment: This variant is classified as likely benign based on ACMG/AMP sequence variant interpretation guidelines (Richards et al. 2015 PMID: 25741868, with internal and published modifications).

Ambry Genetics
Classification: Likely benign for Cardiovascular phenotype. Last evaluated: 2021-07-07. Review status: criteria provided, single submitter. Criteria: Ambry Variant Classification Scheme 2023. Collection method: clinical testing. Allele origin: germline.

GeneDx
Classification: Likely benign. Last evaluated: 2020-11-13. Review status: criteria provided, single submitter. Criteria: GeneDx Variant Classification Process June 2021. Collection method: clinical testing. Allele origin: germline. Affected: yes.

NM_020778.5(ALPK3):c.2727C>T (p.Ala909=)

Gene: ALPK3 (alpha kinase 3; plus strand). Cytogenetic location: 15q25.3.
Variant type: single nucleotide variant.
Coding change: c.2727C>T on transcript NM_020778.5 (MANE Select); coding-DNA position 2727, C replaced by T.
Protein change: p.Ala909=; no amino-acid change (alanine 909 retained).
Molecular consequence: synonymous variant.
Genome position (GRCh38, 1-based): chr15:84,857,465, C>T. VCF-style: chr15-84857465-C-T. GRCh37 (hg19) VCF-style: chr15-85400696-C-T.
Identifiers: ClinVar variation 390230 (VCV000390230.15), dbSNP rs746482983, ClinGen allele CA7709481.